The following is an entry in ClinVar:

ClinVar aggregate classification (germline): Pathogenic (0 of 4 stars; one submission).

Conditions:
Intellectual developmental disorder, X-linked 99, syndromic, female-restricted. Also called: Intellectual disability, X-linked 99, syndromic, female-restricted. Identifiers: MedGen C4225416, MONDO:0010502, OMIM 300968.

Submission:

Medical Genetics, University of Parma
Classification: Pathogenic for Intellectual developmental disorder, X-linked 99, syndromic, female-restricted. Last evaluated: 2022-07-13. Review status: no assertion criteria provided. Collection method: clinical testing. Allele origin: de novo. Inheritance: X-linked inheritance. Affected: yes. Observed: 1 heterozygote.
Comment: The NM_001039591.3:c.6679_6685delAAATTATinsTCCTG variant leads to p.Lys2227SerfsTer2. The variant is absent from large healthy population databases.

NM_001039591.3(USP9X):c.6679_6685delinsTCCTG (p.Lys2227_Tyr2229delinsSerTer)

Gene: USP9X (ubiquitin specific peptidase 9 X-linked; plus strand). Cytogenetic location: Xp11.4.
Variant type: Indel.
Coding change: c.6679_6685delinsTCCTG on transcript NM_001039591.3 (MANE Select); coding-DNA positions 6679 to 6685, AAATTAT replaced by TCCTG.
Protein change: p.Lys2227_Tyr2229delinsSerTer.
Molecular consequence: nonsense.
Genome position (GRCh38, 1-based): chrX:41,223,330-41,223,336, AAATTAT replaced by TCCTG. VCF-style: chrX-41223330-AAATTAT-TCCTG. GRCh37 (hg19) VCF-style: chrX-41082583-AAATTAT-TCCTG.
Other names: c.6679_6685delAAATTATinsTCCTG (NM_001039591.3); c.6679_6685delinsTCCTG, p.Lys2227_Tyr2229delinsSerTer (NM_001039590.3).
Identifiers: ClinVar variation 1695974 (VCV001695974.3), dbSNP rs2147262405, ClinGen allele CA2580101015.